The following is an entry in ClinVar:

NM_000038.6(APC):c.3187A>G (p.Ser1063Gly)

Gene: APC (APC regulator of Wnt signaling pathway; plus strand). Cytogenetic location: 5q22.2.
Variant type: single nucleotide variant.
Coding change: c.3187A>G on transcript NM_000038.6 (MANE Select); coding-DNA position 3187, A replaced by G.
Protein change: p.Ser1063Gly; replaces serine 1063 with glycine.
Molecular consequence: missense variant.
Genome position (GRCh38, 1-based): chr5:112,838,781, A>G. VCF-style: chr5-112838781-A-G. GRCh37 (hg19) VCF-style: chr5-112174478-A-G.
Other names: c.3187A>G, p.Ser1063Gly (NM_001127510.3, NM_001354895.2); c.3133A>G, p.Ser1045Gly (NM_001127511.3); c.3241A>G, p.Ser1081Gly (NM_001354896.2); c.3217A>G, p.Ser1073Gly (NM_001354897.2); c.3112A>G, p.Ser1038Gly (NM_001354898.2); c.3103A>G, p.Ser1035Gly (NM_001354899.2); c.3064A>G, p.Ser1022Gly (NM_001354900.2); c.3010A>G, p.Ser1004Gly (NM_001354901.2); and 5 more; short protein forms S1038G, S1073G, S903G, S937G, S972G, S1004G, S1045G, S1063G.
Identifiers: ClinVar variation 1512464 (VCV001512464.11), dbSNP rs2149886333, ClinGen allele CA16028321.

ClinVar aggregate classification (germline): Uncertain significance. Review status: criteria provided, multiple submitters, no conflicts (2 of 4 stars). 2 submissions from 2 submitters: Uncertain significance (2). Last evaluated 2025-05-18.

Conditions:
Hereditary cancer-predisposing syndrome. Also called: Hereditary neoplastic syndrome; Neoplastic Syndromes, Hereditary; Tumor predisposition; Hereditary Cancer Syndrome. Identifiers: Orphanet 140162, MedGen C0027672, MeSH D009386, MONDO:0015356.
Familial adenomatous polyposis 1 (FAP1). Also called: FAMILIAL ADENOMATOUS POLYPOSIS 1, ATTENUATED; POLYPOSIS, ADENOMATOUS INTESTINAL. Identifiers: MedGen C2713442, MONDO:0021056, OMIM 175100. Disease mechanism: loss of function.

Submissions (2):

Labcorp Genetics (formerly Invitae), Labcorp
Classification: Uncertain significance for Familial adenomatous polyposis 1. Last evaluated: 2025-05-18. Review status: criteria provided, single submitter. Criteria: Invitae Variant Classification Sherloc (09022015). Collection method: clinical testing. Allele origin: germline.
Comment: This sequence change replaces serine, which is neutral and polar, with glycine, which is neutral and non-polar, at codon 1063 of the APC protein (p.Ser1063Gly). This variant is not present in population databases (gnomAD no frequency). This variant has not been reported in the literature in individuals affected with APC-related conditions. ClinVar contains an entry for this variant (Variation ID: 1512464). Invitae Evidence Modeling of protein sequence and biophysical properties (such as structural, functional, and spatial information, amino acid conservation, physicochemical variation, residue mobility, and thermodynamic stability) indicates that this missense variant is not expected to disrupt APC protein function with a negative predictive value of 95%. In summary, the available evidence is currently insufficient to determine the role of this variant in disease. Therefore, it has been classified as a Variant of Uncertain Significance.

Ambry Genetics
Classification: Uncertain significance for Hereditary cancer-predisposing syndrome. Last evaluated: 2025-01-17. Review status: criteria provided, single submitter. Criteria: Ambry Variant Classification Scheme 2023. Collection method: clinical testing. Allele origin: germline.
Comment: The p.S1063G variant (also known as c.3187A>G), located in coding exon 15 of the APC gene, results from an A to G substitution at nucleotide position 3187. The serine at codon 1063 is replaced by glycine, an amino acid with similar properties. This amino acid position is not well conserved in available vertebrate species. In addition, in silico predictors for this gene do not accurately predict pathogenicity. Missense alterations in APC are not a common cause of disease (Spier I et al. Genet Med. 2024 Feb;26(2):100992). Based on the available evidence, the clinical significance of this variant remains unclear.